The following is an entry in ClinVar:

NM_000548.5(TSC2):c.4905C>T (p.Cys1635=)

Gene: TSC2 (TSC complex subunit 2; plus strand). Cytogenetic location: 16p13.3.
Variant type: single nucleotide variant.
Coding change: c.4905C>T on transcript NM_000548.5 (MANE Select); coding-DNA position 4905, C replaced by T.
Protein change: p.Cys1635=; no amino-acid change (cysteine 1635 retained).
Molecular consequence: synonymous variant.
Genome position (GRCh38, 1-based): chr16:2,086,787, C>T. VCF-style: chr16-2086787-C-T. GRCh37 (hg19) VCF-style: chr16-2136788-C-T.
Other names: c.4704C>T, p.Cys1568= (NM_001077183.3); c.4836C>T, p.Cys1612= (NM_001114382.3); c.4596C>T, p.Cys1532= (NM_001318827.2); c.4560C>T, p.Cys1520= (NM_001318829.2); c.4173C>T, p.Cys1391= (NM_001318831.2); c.4737C>T, p.Cys1579= (NM_001318832.2); c.4707C>T, p.Cys1569= (NM_001363528.2); c.4773C>T, p.Cys1591= (NM_001370404.1); and 2 more.
Identifiers: ClinVar variation 186947 (VCV000186947.42), dbSNP rs397514999, ClinGen allele CA021200.

ClinVar aggregate classification (germline): Benign/Likely benign. Review status: criteria provided, multiple submitters, no conflicts (2 of 4 stars). 10 submissions from 10 submitters: Benign (5); Likely benign (4). 1 of the submissions does not count toward it. Last evaluated 2026-01-26.

Conditions:
TSC2-related disorder. Also called: TSC2-Related Disorders; TSC2-related condition.
Hereditary cancer-predisposing syndrome. Also called: Tumor predisposition; Neoplastic Syndromes, Hereditary; Hereditary Cancer Syndrome; Hereditary neoplastic syndrome. Identifiers: Orphanet 140162, MedGen C0027672, MeSH D009386, MONDO:0015356.
Tuberous sclerosis syndrome (TSC). Also called: Tuberous Sclerosis Complex; Tuberous sclerosis. Identifiers: Orphanet 805, MedGen C0041341, MONDO:0001734.
Tuberous sclerosis 2 (TSC2). Identifiers: Orphanet 805, MedGen C1860707, MONDO:0013199, OMIM 613254.

Allele frequency attached by ClinVar (database versions not stated): TOPMed 0.00014; gnomAD exomes 0.00004 and 0.00006; ExAC 0.00007; gnomAD 0.00015 and 0.00017; 1000 Genomes Project 30x 0.00016; 1000 Genomes Project 0.00020.
gnomAD v4.1: 81 of 1,611,462 alleles (0.005%); highest among the groups gnomAD compares: African/African-American, 0.047%; no homozygotes.

Submissions (10):

Labcorp Genetics (formerly Invitae), Labcorp
Classification: Benign for Tuberous sclerosis 2. Last evaluated: 2026-01-26. Review status: criteria provided, single submitter. Criteria: Invitae Variant Classification Sherloc (09022015). Collection method: clinical testing. Allele origin: germline.

CeGaT Center for Human Genetics Tuebingen
Classification: Likely benign. Last evaluated: 2025-08-01. Review status: criteria provided, single submitter. Criteria: CeGaT Center For Human Genetics Tuebingen Variant Classification Criteria Version 2. Collection method: clinical testing. Allele origin: germline. Affected: yes. Observed: 1 variant allele.
Comment: TSC2: BP4, BP7

Myriad Genetics, Inc.
Classification: Benign for Tuberous sclerosis 2. Last evaluated: 2025-06-05. Review status: criteria provided, single submitter. Criteria: Myriad Autosomal Dominant, Autosomal Recessive and X-Linked Classification Criteria (2023). Collection method: clinical testing. Allele origin: unknown.
Comment: This variant is considered benign. This variant is a silent/synonymous amino acid change and it is not expected to impact splicing.

Color Diagnostics, LLC DBA Color Health
Classification: Likely benign for Tuberous sclerosis syndrome. Last evaluated: 2022-11-06. Review status: criteria provided, single submitter. Criteria: ACMG Guidelines, 2015. Collection method: clinical testing. Allele origin: germline.

Blueprint Genetics
Classification: Likely benign. Last evaluated: 2021-11-11. Review status: criteria provided, single submitter. Criteria: ACMG Guidelines, 2015. Collection method: clinical testing. Allele origin: germline.

Genome-Nilou Lab
Classification: Benign for Tuberous sclerosis 2. Last evaluated: 2021-11-07. Review status: criteria provided, single submitter. Criteria: ACMG Guidelines, 2015. Collection method: clinical testing. Allele origin: germline. Affected: no.

Sema4
Classification: Benign for Hereditary cancer-predisposing syndrome. Last evaluated: 2020-10-01. Review status: criteria provided, single submitter. Criteria: Sema4 Curation Guidelines. Collection method: curation. Allele origin: germline.

GeneDx
Classification: Benign. Last evaluated: 2015-04-14. Review status: criteria provided, single submitter. Criteria: GeneDx Variant Classification (06012015). Collection method: clinical testing. Allele origin: germline. Affected: yes.
Comment: This variant is considered likely benign or benign based on one or more of the following criteria: it is a conservative change, it occurs at a poorly conserved position in the protein, it is predicted to be benign by multiple in silico algorithms, and/or has population frequency not consistent with disease.

Ambry Genetics
Classification: Likely benign for Hereditary cancer-predisposing syndrome. Last evaluated: 2014-10-30. Review status: criteria provided, single submitter. Criteria: Ambry Variant Classification Scheme 2023. Collection method: clinical testing. Allele origin: germline.

PreventionGenetics, part of Exact Sciences
Classification: Likely benign for TSC2-related condition. Last evaluated: 2023-07-19. Review status: no assertion criteria provided. Collection method: clinical testing. Allele origin: germline. Not counted in ClinVar's aggregate classification.
Comment: This variant is classified as likely benign based on ACMG/AMP sequence variant interpretation guidelines (Richards et al. 2015 PMID: 25741868, with internal and published modifications).